The following is an entry in ClinVar:

ClinVar aggregate classification (germline): Uncertain significance. Review status: criteria provided, multiple submitters, no conflicts (2 of 4 stars). 2 submissions from 2 submitters: Uncertain significance (2). Last evaluated 2026-04-03.

Conditions:
Cardiovascular phenotype. Identifiers: MedGen CN230736.
Alstrom syndrome (ALMS). Identifiers: Orphanet 64, MedGen C0268425, MONDO:0008763, OMIM 203800.

Allele frequency attached by ClinVar (database versions not stated): gnomAD 0.00001.
gnomAD v4.1: 1 of 1,613,360 alleles (0.000062%); highest among the groups gnomAD compares: Admixed American, 0.0017%; no homozygotes.

Submissions (2):

Ambry Genetics
Classification: Uncertain significance for Cardiovascular phenotype. Last evaluated: 2026-04-03. Review status: criteria provided, single submitter. Criteria: Ambry Variant Classification Scheme 2023. Collection method: clinical testing. Allele origin: germline.
Comment: The p.Y4153F variant (also known as c.12458A>T), located in coding exon 22 of the ALMS1 gene, results from an A to T substitution at nucleotide position 12458. The tyrosine at codon 4153 is replaced by phenylalanine, an amino acid with highly similar properties. This amino acid position is not well conserved in available vertebrate species. In addition, this alteration is predicted to be tolerated by in silico analysis. Based on the available evidence, the clinical significance of this variant remains unclear.

Labcorp Genetics (formerly Invitae), Labcorp
Classification: Uncertain significance for Alstrom syndrome. Last evaluated: 2022-06-07. Review status: criteria provided, single submitter. Criteria: Invitae Variant Classification Sherloc (09022015). Collection method: clinical testing. Allele origin: germline.
Comment: This sequence change replaces tyrosine, which is neutral and polar, with phenylalanine, which is neutral and non-polar, at codon 4153 of the ALMS1 protein (p.Tyr4153Phe). In summary, the available evidence is currently insufficient to determine the role of this variant in disease. Therefore, it has been classified as a Variant of Uncertain Significance. Experimental studies and prediction algorithms are not available or were not evaluated, and the functional significance of this variant is currently unknown. This variant has not been reported in the literature in individuals affected with ALMS1-related conditions. This variant is not present in population databases (gnomAD no frequency).

NM_001378454.1(ALMS1):c.12455A>T (p.Tyr4152Phe)

Gene: ALMS1 (ALMS1 centrosome and basal body associated protein; plus strand). Cytogenetic location: 2p13.1.
Variant type: single nucleotide variant.
Coding change: c.12455A>T on transcript NM_001378454.1 (MANE Select); coding-DNA position 12455, A replaced by T.
Protein change: p.Tyr4152Phe; replaces tyrosine 4152 with phenylalanine.
Molecular consequence: missense variant.
Genome position (GRCh38, 1-based): chr2:73,608,567, A>T. VCF-style: chr2-73608567-A-T. GRCh37 (hg19) VCF-style: chr2-73835694-A-T.
Other names: c.12458A>T, p.Tyr4153Phe (NM_015120.4); short protein forms Y4152F, Y4153F.
Identifiers: ClinVar variation 2061686 (VCV002061686.3), dbSNP rs755160012, ClinGen allele CA347275399.